The following is an entry in ClinVar:

ClinVar aggregate classification (germline): Uncertain significance (1 of 4 stars; one submission).

Conditions:
Benign neonatal seizures. Also called: Benign familial neonatal seizures; Benign familial neonatal epilepsy; Convulsions benign familial neonatal dominant form; Autosomal dominant form of benign neonatal seizures; Benign neonatal familial convulsions. Identifiers: Orphanet 1949, MedGen C0220669, MONDO:0016027.

Submission:

Labcorp Genetics (formerly Invitae), Labcorp
Classification: Uncertain significance for Benign neonatal seizures. Last evaluated: 2020-09-24. Review status: criteria provided, single submitter. Criteria: Invitae Variant Classification Sherloc (09022015). Collection method: clinical testing. Allele origin: germline.
Comment: In summary, the available evidence is currently insufficient to determine the role of this variant in disease. Therefore, it has been classified as a Variant of Uncertain Significance. This variant has not been reported in the literature in individuals with KCNQ3-related conditions. This variant is not present in population databases (ExAC no frequency). This sequence change results in a premature translational stop signal in the KCNQ3 gene (p.Ser863*). While this is not anticipated to result in nonsense mediated decay, it is expected to disrupt the last 10 amino acids of the KCNQ3 protein.

NM_004519.4(KCNQ3):c.2588C>G (p.Ser863Ter)

Gene: KCNQ3 (potassium voltage-gated channel subfamily Q member 3; minus strand). Cytogenetic location: 8q24.22.
Variant type: single nucleotide variant.
Coding change: c.2588C>G on transcript NM_004519.4 (MANE Select); coding-DNA position 2588, C replaced by G.
Protein change: p.Ser863Ter; replaces serine 863 with a stop codon.
Molecular consequence: nonsense.
Genome position (GRCh38, 1-based): chr8:132,129,293, G>C on the plus strand (C>G on the coding strand, the complement: KCNQ3 is on the minus strand). VCF-style: chr8-132129293-G-C. GRCh37 (hg19) VCF-style: chr8-133141540-G-C.
Other names: c.2228C>G, p.Ser743Ter (NM_001204824.2); short protein forms S743*, S863*.
Identifiers: ClinVar variation 1058405 (VCV001058405.7), dbSNP rs1256140128, ClinGen allele CA372215442.